The following is an entry in ClinVar:

ClinVar aggregate classification (germline): Pathogenic (1 of 4 stars; one submission).

Conditions:
Ataxia-telangiectasia syndrome (AT). Also called: Ataxia-telangiectasia, complementation group E; LOUIS-BAR SYNDROME; Ataxia-telangiectasia, complementation group D; AT, COMPLEMENTATION GROUP C; Ataxia-telangiectasia; Cerebello-oculocutaneous telangiectasia. Identifiers: Orphanet 100, MedGen C0004135, MONDO:0008840, OMIM 208900.

Submission:

Labcorp Genetics (formerly Invitae), Labcorp
Classification: Pathogenic for Ataxia-telangiectasia syndrome. Last evaluated: 2021-11-13. Review status: criteria provided, single submitter. Criteria: Invitae Variant Classification Sherloc (09022015). Collection method: clinical testing. Allele origin: germline.
Comment: This sequence change creates a premature translational stop signal (p.Leu822Phefs*2) in the ATM gene. It is expected to result in an absent or disrupted protein product. Loss-of-function variants in ATM are known to be pathogenic (PMID: 23807571, 25614872). This variant is not present in population databases (gnomAD no frequency). This variant has not been reported in the literature in individuals affected with ATM-related conditions. For these reasons, this variant has been classified as Pathogenic.

Literature cited by the submitters: PubMed 23807571; PubMed 25614872.

NM_000051.4(ATM):c.2464_2465dup (p.Leu822fs)

Gene: ATM (ATM serine/threonine kinase; plus strand). Cytogenetic location: 11q22.3.
Variant type: Duplication.
Coding change: c.2464_2465dup on transcript NM_000051.4 (MANE Select); coding-DNA positions 2464 to 2465, 2 bases duplicated (TT; older notation c.2464_2465dupTT).
Protein change: p.Leu822fs; shifts the reading frame from leucine 822.
Molecular consequence: frameshift variant.
Genome position (GRCh38, 1-based): chr11:108,259,073-108,259,074, TT duplicated; duplicating any 2 consecutive bases within chr11:108,259,072-108,259,074 gives the same sequence; the c. name uses the placement nearest the transcript's 3' end. VCF-style (leftmost placement, unchanged base first): chr11-108259071-G-GTT. GRCh37 (hg19) VCF-style: chr11-108129798-G-GTT.
Other names: c.2464_2465dup, p.Leu822fs (NM_001351834.2); short protein forms L822fs.
Identifiers: ClinVar variation 1453564 (VCV001453564.6), dbSNP rs2135422402, ClinGen allele CA2573146518.